The following is an entry in ClinVar:

NM_003076.5(SMARCD1):c.757A>G (p.Asn253Asp)

Gene: SMARCD1 (SWI/SNF related BAF chromatin remodeling complex subunit D1; plus strand). Cytogenetic location: 12q13.12.
Variant type: single nucleotide variant.
Coding change: c.757A>G on transcript NM_003076.5 (MANE Select); coding-DNA position 757, A replaced by G.
Protein change: p.Asn253Asp; replaces asparagine 253 with aspartic acid.
Molecular consequence: missense variant.
Genome position (GRCh38, 1-based): chr12:50,088,623, A>G. VCF-style: chr12-50088623-A-G. GRCh37 (hg19) VCF-style: chr12-50482406-A-G.
Other names: c.757A>G, p.Asn253Asp (NM_139071.3); short protein forms N253D.
Identifiers: ClinVar variation 3572719 (VCV003572719.1).
Genomic context (GRCh38, chr12:50,088,623, plus strand): 5'-TTCTCTTCCTTTTTTAAGTCCTTGGTGATTGAACTGGACAAAGACCTGTATGGGCCAGAC[A>G]ACCATCTGGTAGAAGTGAGTAGCTCTGCCTTCTAGGCTTTGACTCTGATTGGAGGATGAT-3'
Protein context (NP_003067.3, residues 243-263): ELDKDLYGPD[Asn253Asp]HLVEWHRTAT

ClinVar aggregate classification (germline): Uncertain significance (1 of 4 stars; one submission).

gnomAD v4.1: 1 of 1,585,822 alleles (0.000063%); highest among the groups gnomAD compares: Non-Finnish European, 0.000086%; no homozygotes.

Submission:

GeneDx
Classification: Uncertain significance. Last evaluated: 2024-07-08. Review status: criteria provided, single submitter. Criteria: GeneDx Variant Classification Process June 2021. Collection method: clinical testing. Allele origin: germline. Affected: yes.
Comment: Not observed at significant frequency in large population cohorts (gnomAD); In silico analysis supports that this missense variant has a deleterious effect on protein structure/function; Has not been previously published as pathogenic or benign to our knowledge